The following is an entry in ClinVar:

ClinVar aggregate classification (germline): Uncertain significance (1 of 4 stars; one submission).

gnomAD v4.1: 4 of 1,612,934 alleles (0.00025%); highest among the groups gnomAD compares: Non-Finnish European, 0.00034%; no homozygotes.

Submission:

Women's Health and Genetics/Laboratory Corporation of America, LabCorp
Classification: Uncertain significance. Last evaluated: 2025-04-22. Review status: criteria provided, single submitter. Criteria: LabCorp Variant Classification Summary - May 2015. Collection method: clinical testing. Allele origin: germline.
Comment: Variant summary: KMT2B c.5570C>G (p.Pro1857Arg) results in a non-conservative amino acid change in the encoded protein sequence. Five of five in-silico tools predict a damaging effect of the variant on protein function. The variant allele was found at a frequency of 4.1e-06 in 245826 control chromosomes. The available data on variant occurrences in the general population are insufficient to allow any conclusion about variant significance. To our knowledge, no occurrence of c.5570C>G in individuals affected with Dystonia 28, Childhood-Onset and no experimental evidence demonstrating its impact on protein function have been reported. No submitters have cited clinical-significance assessments for this variant to ClinVar. Based on the evidence outlined above, the variant was classified as uncertain significance.

NM_014727.3(KMT2B):c.5570C>G (p.Pro1857Arg)

Gene: KMT2B (lysine methyltransferase 2B; plus strand). Cytogenetic location: 19q13.12.
Variant type: single nucleotide variant.
Coding change: c.5570C>G on transcript NM_014727.3 (MANE Select); coding-DNA position 5570, C replaced by G.
Protein change: p.Pro1857Arg; replaces proline 1857 with arginine.
Molecular consequence: missense variant.
Genome position (GRCh38, 1-based): chr19:35,732,040, C>G. VCF-style: chr19-35732040-C-G. GRCh37 (hg19) VCF-style: chr19-36222941-C-G.
Other names: short protein forms P1857R.
Identifiers: ClinVar variation 3896131 (VCV003896131.2).